The following is an entry in ClinVar:

NM_005559.4(LAMA1):c.2638G>A (p.Ala880Thr)

Gene: LAMA1 (laminin subunit alpha 1; minus strand). Cytogenetic location: 18p11.31.
Variant type: single nucleotide variant.
Coding change: c.2638G>A on transcript NM_005559.4 (MANE Select); coding-DNA position 2638, G replaced by A.
Protein change: p.Ala880Thr; replaces alanine 880 with threonine.
Molecular consequence: missense variant.
Genome position (GRCh38, 1-based): chr18:7,023,227, C>T on the plus strand (G>A on the coding strand, the complement: LAMA1 is on the minus strand). VCF-style: chr18-7023227-C-T. GRCh37 (hg19) VCF-style: chr18-7023226-C-T.
Other names: p.Ala880Thr; short protein forms A880T.
Identifiers: ClinVar variation 3380538 (VCV003380538.1).

ClinVar aggregate classification (germline): Uncertain significance (1 of 4 stars; one submission).

gnomAD v4.1: 17 of 1,613,690 alleles (0.0011%); highest among the groups gnomAD compares: East Asian, 0.016%; no homozygotes.

Submission:

Mayo Clinic Laboratories, Mayo Clinic
Classification: Uncertain significance. Last evaluated: 2024-07-26. Review status: criteria provided, single submitter. Criteria: ACMG Guidelines, 2015. Collection method: clinical testing. Allele origin: germline. Observed: 1 variant allele.
Comment: BP4_moderate, PM2